The following is an entry in ClinVar:

NM_001365536.1(SCN9A):c.3064A>T (p.Arg1022Trp)

Genes: SCN9A (sodium voltage-gated channel alpha subunit 9; minus strand), SCN1A-AS1 (SCN1A and SCN9A antisense RNA 1; plus strand). Cytogenetic location: 2q24.3.
Variant type: single nucleotide variant.
Coding change: c.3064A>T on transcript NM_001365536.1 (MANE Select); coding-DNA position 3064, A replaced by T.
Protein change: p.Arg1022Trp; replaces arginine 1022 with tryptophan.
Molecular consequence: missense variant.
Genome position (GRCh38, 1-based): chr2:166,272,686, T>A on the plus strand (A>T on the coding strand, the complement: SCN9A is on the minus strand). VCF-style: chr2-166272686-T-A. GRCh37 (hg19) VCF-style: chr2-167129196-T-A.
Other names: c.3031A>T, p.Arg1011Trp (NM_002977.4); short protein forms R1022W, R1011W.
Identifiers: ClinVar variation 968521 (VCV000968521.10), dbSNP rs780201476, ClinGen allele CA1944143.

ClinVar aggregate classification (germline): Uncertain significance (1 of 4 stars; one submission).

Conditions:
Generalized epilepsy with febrile seizures plus, type 7 (GEFSP7). Also called: GEFS+, TYPE 7. Identifiers: Orphanet 36387, MedGen C2751778, MONDO:0013470, OMIM 613863.
Neuropathy, hereditary sensory and autonomic, type 2A (HSAN2A). Also called: MORVAN DISEASE; NEUROPATHY, CONGENITAL SENSORY; NEUROPATHY, HEREDITARY SENSORY RADICULAR, AUTOSOMAL RECESSIVE; NEUROPATHY, HEREDITARY SENSORY, TYPE IIA; NEUROPATHY, PROGRESSIVE SENSORY, OF CHILDREN; ACROOSTEOLYSIS, GIACCAI TYPE. Identifiers: Orphanet 970, MedGen C2752089, MONDO:0024309, OMIM 201300.

Allele frequency attached by ClinVar (database versions not stated): gnomAD exomes below 0.00001; ExAC 0.00001.
gnomAD v4.1: 1 of 1,603,152 alleles (0.000062%); highest among the groups gnomAD compares: South Asian, 0.0011%; no homozygotes.

Submission:

Labcorp Genetics (formerly Invitae), Labcorp
Classification: Uncertain significance for Neuropathy, hereditary sensory and autonomic, type 2A; Generalized epilepsy with febrile seizures plus, type 7. Last evaluated: 2019-10-10. Review status: criteria provided, single submitter. Criteria: Invitae Variant Classification Sherloc (09022015). Collection method: clinical testing. Allele origin: germline.
Comment: This sequence change replaces arginine with tryptophan at codon 1011 of the SCN9A protein (p.Arg1011Trp). The arginine residue is weakly conserved and there is a moderate physicochemical difference between arginine and tryptophan. This variant is present in population databases (rs780201476, ExAC 0.006%). This variant has not been reported in the literature in individuals with SCN9A-related conditions. Algorithms developed to predict the effect of missense changes on protein structure and function are either unavailable or do not agree on the potential impact of this missense change (SIFT: "Deleterious"; PolyPhen-2: "Possibly Damaging"; Align-GVGD: "Class C0"). In summary, the available evidence is currently insufficient to determine the role of this variant in disease. Therefore, it has been classified as a Variant of Uncertain Significance.